The following is an entry in ClinVar:

NM_033100.4(CDHR1):c.1554-3C>A

Gene: CDHR1 (cadherin related family member 1; plus strand). Cytogenetic location: 10q23.1.
Variant type: single nucleotide variant.
Coding change: c.1554-3C>A on transcript NM_033100.4 (MANE Select); 3 bases into the intron before coding-DNA position 1554, C replaced by A.
Molecular consequence: intron variant.
Genome position (GRCh38, 1-based): chr10:84,212,176, C>A. VCF-style: chr10-84212176-C-A. GRCh37 (hg19) VCF-style: chr10-85971932-C-A.
Other names: c.1554-3C>A (NM_001171971.3).
Identifiers: ClinVar variation 877828 (VCV000877828.19), dbSNP rs377416569, ClinGen allele CA5579991.
Genomic context (GRCh38, chr10:84,212,176, plus strand): 5'-TGTGTATGTATGCACATATGTGTATATGCGTGCACACCCATGCCTATGTGCTCTGCCTGG[C>A]AGCTTCCTGATCCACCCATCCACTGGGCTTATCTACACCCAGCCCTGGGCTAGCCTGGAC-3'

ClinVar aggregate classification (germline): Uncertain significance. Review status: criteria provided, multiple submitters, no conflicts (2 of 4 stars). 6 submissions from 6 submitters: Uncertain significance (4). 2 of the submissions do not count toward it. Last evaluated 2025-11-01.

Conditions:
Retinal dystrophy. Also called: Inherited retinal dystrophy. Identifiers: Orphanet 71862, MedGen C0854723, MeSH D058499, MONDO:0019118, HP:0000556.
Cone-rod dystrophy 15 (CORD15). Identifiers: MedGen C3150912, MONDO:0013348, OMIM 613660.
CDHR1-related disorder. Also called: CDHR1-related condition.

Allele frequency attached by ClinVar (database versions not stated): gnomAD 0.00005 and 0.00007; ExAC 0.00008; ESP Exome Variant Server 0.00008; gnomAD exomes 0.00010 and 0.00014; TOPMed 0.00012.
gnomAD v4.1: 220 of 1,613,360 alleles (0.014%); highest among the groups gnomAD compares: Non-Finnish European, 0.017%; no homozygotes.

Submissions (6):

CeGaT Center for Human Genetics Tuebingen
Classification: Uncertain significance. Last evaluated: 2025-11-01. Review status: criteria provided, single submitter. Criteria: CeGaT Center For Human Genetics Tuebingen Variant Classification Criteria Version 2. Collection method: clinical testing. Allele origin: germline. Affected: yes. Observed: 1 variant allele.
Comment: CDHR1: PM2, PP3

Blueprint Genetics
Classification: Uncertain significance. Last evaluated: 2024-08-19. Review status: criteria provided, single submitter. Criteria: ACMG Guidelines, 2015. Collection method: clinical testing. Allele origin: germline.

Labcorp Genetics (formerly Invitae), Labcorp
Classification: Uncertain significance. Last evaluated: 2023-08-10. Review status: criteria provided, single submitter. Criteria: Invitae Variant Classification Sherloc (09022015). Collection method: clinical testing. Allele origin: germline.
Comment: In summary, the available evidence is currently insufficient to determine the role of this variant in disease. Therefore, it has been classified as a Variant of Uncertain Significance. Variants that disrupt the consensus splice site are a relatively common cause of aberrant splicing (PMID: 17576681, 9536098). Algorithms developed to predict the effect of sequence changes on RNA splicing suggest that this variant may disrupt the consensus splice site. ClinVar contains an entry for this variant (Variation ID: 877828). This variant has not been reported in the literature in individuals affected with CDHR1-related conditions. This variant is present in population databases (rs377416569, gnomAD 0.01%). This sequence change falls in intron 14 of the CDHR1 gene. It does not directly change the encoded amino acid sequence of the CDHR1 protein. It affects a nucleotide within the consensus splice site.

Illumina Laboratory Services, Illumina
Classification: Uncertain significance for Cone-rod dystrophy 15. Last evaluated: 2018-01-13. Review status: criteria provided, single submitter. Criteria: ICSL Variant Classification Criteria 13 December 2019. Collection method: clinical testing. Allele origin: germline.

Institute of Human Genetics, Univ. Regensburg, Univ. Regensburg
Classification: Uncertain significance for Retinal dystrophy. Last evaluated: 2021-01-01. Review status: no assertion criteria provided. Criteria: ACMG Guidelines, 2015. Collection method: clinical testing. Allele origin: germline. Affected: yes. Not counted in ClinVar's aggregate classification.

PreventionGenetics, part of Exact Sciences
Classification: Likely benign for CDHR1-related condition. Last evaluated: 2020-03-25. Review status: no assertion criteria provided. Collection method: clinical testing. Allele origin: germline. Not counted in ClinVar's aggregate classification.
Comment: This variant is classified as likely benign based on ACMG/AMP sequence variant interpretation guidelines (Richards et al. 2015 PMID: 25741868, with internal and published modifications).

Literature cited by the submitters: PubMed 17576681 (cited by Labcorp Genetics (formerly Invitae), Labcorp); PubMed 9536098 (cited by Labcorp Genetics (formerly Invitae), Labcorp).